The following is an entry in ClinVar:

ClinVar aggregate classification (germline): Likely pathogenic (1 of 4 stars; one submission).

Conditions:
SCN2A-related disorder. Also called: SCN2A-related condition; SCN2A-related disorders. Identifiers: MedGen CN382226, MONDO:1060245.

Submission:

Rady Children's Institute for Genomic Medicine, Rady Children's Hospital San Diego
Classification: Likely pathogenic for SCN2A-related disorders. Last evaluated: 2024-06-05. Review status: criteria provided, single submitter. Criteria: ACMG Guidelines, 2015. Collection method: clinical testing. Allele origin: germline. Affected: yes.
Comment: The SCN2A gene is constrained against variation (Z-score= 8.73 and pLI = 1), and missense variants are a common mechanism of disease (PMID: 35431799, 26291284). The c.2552C>T (p.Ser851Leu) variant affects a highly conserved amino acid and is predicted by multiple in silico tools to have a deleterious effect on protein function. This variant has not been previously reported or functionally characterized in the literature to our knowledge. The c.2552C>T (p.Ser851Leu) variant is absent from the gnomAD v4 population database and thus is presumed to be rare. Analysis of the parental samples was negative for the variant, indicating this variant likely occurred as a de novo event. Based on the available evidence, c.2552C>T (p.Ser851Leu) is classified as Likely Pathogenic.

Literature cited by the submitters: PubMed 35431799; PubMed 26291284.

NM_001040142.2(SCN2A):c.2552C>T (p.Ser851Leu)

Gene: SCN2A (sodium voltage-gated channel alpha subunit 2; plus strand). Cytogenetic location: 2q24.3.
Variant type: single nucleotide variant.
Coding change: c.2552C>T on transcript NM_001040142.2 (MANE Select); coding-DNA position 2552, C replaced by T.
Protein change: p.Ser851Leu; replaces serine 851 with leucine.
Molecular consequence: missense variant.
Genome position (GRCh38, 1-based): chr2:165,342,459, C>T. VCF-style: chr2-165342459-C-T. GRCh37 (hg19) VCF-style: chr2-166198969-C-T.
Other names: c.2552C>T, p.Ser851Leu (NM_001040143.2, NM_001371246.1, NM_001371247.1 and 1 more transcripts); short protein forms S851L.
Identifiers: ClinVar variation 4814183 (VCV004814183.1).
Genomic context (GRCh38, chr2:165,342,459, plus strand): 5'-TGAGCCTTAGTTTAATGGAACTTGGTTTGGCAAATGTGGAAGGATTGTCAGTTCTCCGAT[C>T]ATTCCGGCTGGTAAATTAACTGGGAGTGTTCATAAAATGTACTTTGTAATTAATTAGTCT-3'
Protein context (NP_001035232.1, residues 841-861): ANVEGLSVLR[Ser851Leu]FRLLRVFKLA